The following is an entry in ClinVar:

ClinVar aggregate classification (germline): Uncertain significance (1 of 4 stars; one submission).

Submission:

Labcorp Genetics (formerly Invitae), Labcorp
Classification: Uncertain significance. Last evaluated: 2024-11-04. Review status: criteria provided, single submitter. Criteria: Invitae Variant Classification Sherloc (09022015). Collection method: clinical testing. Allele origin: germline.
Comment: This sequence change creates a premature translational stop signal (p.Gln257Hisfs*22) in the TOP1MT gene. It is expected to result in an absent or disrupted protein product. However, the current clinical and genetic evidence is not sufficient to establish whether loss-of-function variants in TOP1MT cause disease. This variant is not present in population databases (gnomAD no frequency). This variant has not been reported in the literature in individuals affected with TOP1MT-related conditions. In summary, the available evidence is currently insufficient to determine the role of this variant in disease. Therefore, it has been classified as a Variant of Uncertain Significance.

NM_052963.3(TOP1MT):c.771_778del (p.Gln257fs)

Gene: TOP1MT (DNA topoisomerase I mitochondrial; minus strand). Cytogenetic location: 8q24.3.
Variant type: Deletion.
Coding change: c.771_778del on transcript NM_052963.3 (MANE Select); coding-DNA positions 771 to 778, 8 bases deleted (GAACTCCA; older notation c.771_778delGAACTCCA).
Protein change: p.Gln257fs; shifts the reading frame from glutamine 257.
Molecular consequence: frameshift variant.
Genome position (GRCh38, 1-based): chr8:143,324,523-143,324,530, TGGAGTTC deleted on the plus strand (GAACTCCA on the coding strand, the reverse complement: TOP1MT is on the minus strand); deleting any 8 consecutive bases within chr8:143,324,523-143,324,532 gives the same sequence; the c. name uses the placement nearest the transcript's 3' end. VCF-style (leftmost placement, unchanged base first): chr8-143324522-ATGGAGTTC-A. GRCh37 (hg19) VCF-style: chr8-144406692-ATGGAGTTC-A.
Other names: c.477_484del, p.Gln159fs (NM_001258446.1, NM_001258447.1); short protein forms Q159fs, Q257fs.
Identifiers: ClinVar variation 3651860 (VCV003651860.2).